The following is an entry in ClinVar:

NM_005751.5(AKAP9):c.7213G>A (p.Ala2405Thr)

Gene: AKAP9 (A-kinase anchoring protein 9; plus strand). Cytogenetic location: 7q21.2.
Variant type: single nucleotide variant.
Coding change: c.7213G>A on transcript NM_005751.5 (MANE Select); coding-DNA position 7213, G replaced by A.
Protein change: p.Ala2405Thr; replaces alanine 2405 with threonine.
Molecular consequence: missense variant.
Genome position (GRCh38, 1-based): chr7:92,079,346, G>A. VCF-style: chr7-92079346-G-A. GRCh37 (hg19) VCF-style: chr7-91708660-G-A.
Other names: c.1858G>A, p.Ala620Thr (NM_001379277.1); c.7189G>A, p.Ala2397Thr (NM_147185.3); short protein forms A620T, A2397T, A2405T.
Identifiers: ClinVar variation 1418465 (VCV001418465.11), dbSNP rs61746591, ClinGen allele CA4337251.
Genomic context (GRCh38, chr7:92,079,346, plus strand): 5'-AAACATCAATTGGATGTGGTTATAGCTGAAAAGCTGGCCTTGGAACAGCAAGTAGAAACC[G>A]CTAATGAAGAAATGACCTTCATGAAAAATGTACTTAAAGAAACCAATTTTAAAATGAATC-3'
Protein context (NP_005742.4, residues 2395-2415): KLALEQQVET[Ala2405Thr]NEEMTFMKNV

ClinVar aggregate classification (germline): Conflicting classifications of pathogenicity. Review status: criteria provided, conflicting classifications (1 of 4 stars). 3 submissions from 3 submitters: Uncertain significance (2); Likely benign (1). Last evaluated 2022-02-18.

Conditions:
Long QT syndrome (LQTS). Identifiers: MedGen C0023976, MeSH D008133, MONDO:0002442. Disease mechanism: loss of function. Inheritance: Various modes of inheritance.
Long QT syndrome 11 (LQT11). Identifiers: Orphanet 101016, Orphanet 768, MedGen C2678483, MONDO:0012738, OMIM 611820.
Cardiovascular phenotype. Identifiers: MedGen CN230736.

Allele frequency attached by ClinVar (database versions not stated): gnomAD 0.00001; gnomAD exomes 0.00001 and 0.00002; ExAC 0.00002; TOPMed 0.00002.
gnomAD v4.1: 23 of 1,613,858 alleles (0.0014%); highest among the groups gnomAD compares: Admixed American, 0.0033%; no homozygotes.

Submissions (3):

Labcorp Genetics (formerly Invitae), Labcorp
Classification: Uncertain significance for Long QT syndrome. Last evaluated: 2022-02-18. Review status: criteria provided, single submitter. Criteria: Invitae Variant Classification Sherloc (09022015). Collection method: clinical testing. Allele origin: germline.
Comment: This variant is present in population databases (rs61746591, gnomAD 0.008%). In summary, the available evidence is currently insufficient to determine the role of this variant in disease. Therefore, it has been classified as a Variant of Uncertain Significance. Algorithms developed to predict the effect of missense changes on protein structure and function output the following: SIFT: "Tolerated"; PolyPhen-2: "Benign"; Align-GVGD: "Class C0". The threonine amino acid residue is found in multiple mammalian species, which suggests that this missense change does not adversely affect protein function. This variant has not been reported in the literature in individuals affected with AKAP9-related conditions. This sequence change replaces alanine, which is neutral and non-polar, with threonine, which is neutral and polar, at codon 2405 of the AKAP9 protein (p.Ala2405Thr).

Fulgent Genetics
Classification: Uncertain significance for Long QT syndrome 11. Last evaluated: 2021-10-21. Review status: criteria provided, single submitter. Criteria: ACMG Guidelines, 2015. Collection method: clinical testing. Allele origin: unknown.

Ambry Genetics
Classification: Likely benign for Cardiovascular phenotype. Last evaluated: 2020-07-14. Review status: criteria provided, single submitter. Criteria: Ambry Variant Classification Scheme 2023. Collection method: clinical testing. Allele origin: germline.